The following is an entry in ClinVar:

ClinVar aggregate classification (germline): Uncertain significance (1 of 4 stars; one submission).

gnomAD v4.1: 3 of 1,597,020 alleles (0.00019%); highest among the groups gnomAD compares: East Asian, 0.0023%; no homozygotes.

Submission:

Ambry Genetics
Classification: Uncertain significance. Last evaluated: 2025-02-23. Review status: criteria provided, single submitter. Criteria: Ambry Variant Classification Scheme 2023. Collection method: clinical testing. Allele origin: germline.
Comment: The p.F414L variant (also known as c.1242T>G), located in coding exon 11 of the GEN1 gene, results from a T to G substitution at nucleotide position 1242. The phenylalanine at codon 414 is replaced by leucine, an amino acid with highly similar properties. This amino acid position is conserved. In addition, this alteration is predicted to be tolerated by in silico analysis. Based on the available evidence, the clinical significance of this variant remains unclear.

NM_001130009.3(GEN1):c.1242T>G (p.Phe414Leu)

Gene: GEN1 (GEN1 Holliday junction 5' flap endonuclease; plus strand). Cytogenetic location: 2p24.2.
Variant type: single nucleotide variant.
Coding change: c.1242T>G on transcript NM_001130009.3 (MANE Select); coding-DNA position 1242, T replaced by G.
Protein change: p.Phe414Leu; replaces phenylalanine 414 with leucine.
Molecular consequence: missense variant.
Genome position (GRCh38, 1-based): chr2:17,778,041, T>G. VCF-style: chr2-17778041-T-G. GRCh37 (hg19) VCF-style: chr2-17959308-T-G.
Other names: c.1242T>G, p.Phe414Leu (NM_182625.5); short protein forms F414L.
Identifiers: ClinVar variation 3853591 (VCV003853591.1).